The following is an entry in ClinVar:

ClinVar aggregate classification (germline): Uncertain significance (1 of 4 stars; one submission).

Allele frequency attached by ClinVar (database versions not stated): gnomAD 0.00001; TOPMed 0.00002.
gnomAD v4.1: 10 of 1,613,918 alleles (0.00062%); highest among the groups gnomAD compares: Admixed American, 0.012%; no homozygotes.

Submission:

Labcorp Genetics (formerly Invitae), Labcorp
Classification: Uncertain significance. Last evaluated: 2024-10-16. Review status: criteria provided, single submitter. Criteria: Invitae Variant Classification Sherloc (09022015). Collection method: clinical testing. Allele origin: germline.
Comment: This sequence change replaces threonine, which is neutral and polar, with lysine, which is basic and polar, at codon 955 of the USH2A protein (p.Thr955Lys). This variant is present in population databases (no rsID available, gnomAD 0.01%). This variant has not been reported in the literature in individuals affected with USH2A-related conditions. ClinVar contains an entry for this variant (Variation ID: 2147270). Invitae Evidence Modeling of protein sequence and biophysical properties (such as structural, functional, and spatial information, amino acid conservation, physicochemical variation, residue mobility, and thermodynamic stability) indicates that this missense variant is not expected to disrupt USH2A protein function with a negative predictive value of 95%. In summary, the available evidence is currently insufficient to determine the role of this variant in disease. Therefore, it has been classified as a Variant of Uncertain Significance.

NM_206933.4(USH2A):c.2864C>A (p.Thr955Lys)

Genes: USH2A (usherin; minus strand), USH2A-AS1 (USH2A antisense RNA 1; plus strand). Cytogenetic location: 1q41.
Variant type: single nucleotide variant.
Coding change: c.2864C>A on transcript NM_206933.4 (MANE Select); coding-DNA position 2864, C replaced by A.
Protein change: p.Thr955Lys; replaces threonine 955 with lysine.
Molecular consequence: missense variant.
Genome position (GRCh38, 1-based): chr1:216,232,082, G>T on the plus strand (C>A on the coding strand, the complement: USH2A is on the minus strand). VCF-style: chr1-216232082-G-T. GRCh37 (hg19) VCF-style: chr1-216405424-G-T.
Other names: c.2864C>A, p.Thr955Lys (NM_007123.6); short protein forms T955K.
Identifiers: ClinVar variation 2147270 (VCV002147270.3), dbSNP rs1189851884, ClinGen allele CA344863337.
Genomic context (GRCh38, chr1:216,232,082, plus strand): 5'-GCATCTTGGCAAACACACTGACCAGTCAGGCTATTACAGATGTGATTAACTGCACCAGTT[G>T]TATGGCATGAGCATGGCAGGCAGCCAGTGGCATTGCCTGGAGAAATATAAAAACCTAGAA-3'
Protein context (NP_996816.3, residues 945-965): ATGCLPCSCH[Thr955Lys]TGAVNHICNS